The following is an entry in ClinVar:

ClinVar aggregate classification (germline): Uncertain significance (1 of 4 stars; one submission).

Submission:

GeneDx
Classification: Uncertain significance. Last evaluated: 2024-04-15. Review status: criteria provided, single submitter. Criteria: GeneDx Variant Classification Process June 2021. Collection method: clinical testing. Allele origin: germline. Affected: yes.
Comment: Not observed at significant frequency in large population cohorts (gnomAD); In silico analysis indicates that this missense variant does not alter protein structure/function; Has not been previously published as pathogenic or benign to our knowledge

NM_001001331.4(ATP2B2):c.3430G>T (p.Val1144Leu)

Gene: ATP2B2 (ATPase plasma membrane Ca2+ transporting 2; minus strand). Cytogenetic location: 3p25.3.
Variant type: single nucleotide variant.
Coding change: c.3430G>T on transcript NM_001001331.4 (MANE Select); coding-DNA position 3430, G replaced by T.
Protein change: p.Val1144Leu; replaces valine 1144 with leucine.
Molecular consequence: missense variant. On other transcripts: 3 prime UTR variant (1).
Genome position (GRCh38, 1-based): chr3:10,329,116, C>A on the plus strand (G>T on the coding strand, the complement: ATP2B2 is on the minus strand). VCF-style: chr3-10329116-C-A. GRCh37 (hg19) VCF-style: chr3-10370800-C-A.
Other names: c.*57G>T (NM_001330611.3); c.3295G>T, p.Val1099Leu (NM_001353564.1, NM_001683.5); c.3467G>T, p.Arg1156Leu (NM_001363862.1); short protein forms R1156L, V1099L, V1144L.
Identifiers: ClinVar variation 3372340 (VCV003372340.1).